The following is an entry in ClinVar:

NM_001042492.3(NF1):c.5198T>A (p.Leu1733Ter)

Gene: NF1 (neurofibromin 1; plus strand). Cytogenetic location: 17q11.2.
Variant type: single nucleotide variant.
Coding change: c.5198T>A on transcript NM_001042492.3 (MANE Select); coding-DNA position 5198, T replaced by A.
Protein change: p.Leu1733Ter; replaces leucine 1733 with a stop codon.
Molecular consequence: nonsense.
Genome position (GRCh38, 1-based): chr17:31,326,182, T>A. VCF-style: chr17-31326182-T-A. GRCh37 (hg19) VCF-style: chr17-29653200-T-A.
Other names: c.5135T>A, p.Leu1712Ter (NM_000267.4); short protein forms L1712*, L1733*.
Identifiers: ClinVar variation 971282 (VCV000971282.6), dbSNP rs2069336790, ClinGen allele CA399008046.

ClinVar aggregate classification (germline): Pathogenic (1 of 4 stars; one submission).

Conditions:
Neurofibromatosis, type 1 (NF1). Also called: Neurofibromatosis, type I; Peripheral type neurofibromatosis; VON RECKLINGHAUSEN DISEASE; NEUROFIBROMATOSIS, TYPE I, SOMATIC. Identifiers: Orphanet 636, MedGen C0027831, MONDO:0018975, OMIM 162200. Disease mechanism: loss of function.

Submission:

Labcorp Genetics (formerly Invitae), Labcorp
Classification: Pathogenic for Neurofibromatosis, type 1. Last evaluated: 2019-10-20. Review status: criteria provided, single submitter. Criteria: Invitae Variant Classification Sherloc (09022015). Collection method: clinical testing. Allele origin: germline.
Comment: For these reasons, this variant has been classified as Pathogenic. Loss-of-function variants in NF1 are known to be pathogenic (PMID: 10712197, 23913538). This variant has not been reported in the literature in individuals with NF1-related conditions. This variant is not present in population databases (ExAC no frequency). This sequence change creates a premature translational stop signal (p.Leu1712*) in the NF1 gene. It is expected to result in an absent or disrupted protein product.

Literature cited by the submitters: PubMed 10712197; PubMed 23913538.